The following is an entry in ClinVar:

NM_024598.4(USB1):c.233G>C (p.Arg78Pro)

Gene: USB1 (U6 snRNA biogenesis phosphodiesterase 1; plus strand). Cytogenetic location: 16q21.
Variant type: single nucleotide variant.
Coding change: c.233G>C on transcript NM_024598.4 (MANE Select); coding-DNA position 233, G replaced by C.
Protein change: p.Arg78Pro; replaces arginine 78 with proline.
Molecular consequence: missense variant.
Genome position (GRCh38, 1-based): chr16:58,002,613, G>C. VCF-style: chr16-58002613-G-C. GRCh37 (hg19) VCF-style: chr16-58036517-G-C.
Other names: c.233G>C, p.Arg78Pro (NM_001195302.2, NM_001204911.2, NM_001330569.2); c.80G>C, p.Arg27Pro (NM_001330568.2); short protein forms R27P, R78P.
Identifiers: ClinVar variation 4196815 (VCV004196815.2).
Genomic context (GRCh38, chr16:58,002,613, plus strand): 5'-AGGGGCCTGAAGATGACAGCACAAAACACGGGGGACGGGTGCGCACCTTCCCCCACGAGC[G>C]AGGCAACTGGGCCACCCACGTCTATGTACCATGTGAGTGATGTGTGAAAGGCAAGTTGCC-3'
Protein context (NP_078874.2, residues 68-88): GGRVRTFPHE[Arg78Pro]GNWATHVYVP

ClinVar aggregate classification (germline): Uncertain significance. Review status: criteria provided, multiple submitters, no conflicts (2 of 4 stars). 2 submissions from 2 submitters: Uncertain significance (2). Last evaluated 2025-08-19.

Conditions:
Inborn genetic diseases. Identifiers: MedGen C0950123, MeSH D030342.

Submissions (2):

Ambry Genetics
Classification: Uncertain significance for Inborn genetic diseases. Last evaluated: 2025-08-19. Review status: criteria provided, single submitter. Criteria: Ambry Variant Classification Scheme 2023. Collection method: clinical testing. Allele origin: germline.
Comment: The p.R78P variant (also known as c.233G>C), located in coding exon 2 of the USB1 gene, results from a G to C substitution at nucleotide position 233. The arginine at codon 78 is replaced by proline, an amino acid with dissimilar properties. This amino acid position is conserved. In addition, this alteration is predicted to be deleterious by in silico analysis. Based on the available evidence, the clinical significance of this variant remains unclear.

Labcorp Genetics (formerly Invitae), Labcorp
Classification: Uncertain significance. Last evaluated: 2025-07-27. Review status: criteria provided, single submitter. Criteria: Invitae Variant Classification Sherloc (09022015). Collection method: clinical testing. Allele origin: germline.
Comment: This sequence change replaces arginine, which is basic and polar, with proline, which is neutral and non-polar, at codon 78 of the USB1 protein (p.Arg78Pro). This variant is not present in population databases (gnomAD no frequency). This variant has not been reported in the literature in individuals affected with USB1-related conditions. Invitae Evidence Modeling of protein sequence and biophysical properties (such as structural, functional, and spatial information, amino acid conservation, physicochemical variation, residue mobility, and thermodynamic stability) indicates that this missense variant is not expected to disrupt USB1 protein function with a negative predictive value of 80%. In summary, the available evidence is currently insufficient to determine the role of this variant in disease. Therefore, it has been classified as a Variant of Uncertain Significance.